The following is an entry in ClinVar:

ClinVar aggregate classification (germline): Uncertain significance (1 of 4 stars; one submission).

Submission:

Women's Health and Genetics/Laboratory Corporation of America, LabCorp
Classification: Uncertain significance. Last evaluated: 2024-09-13. Review status: criteria provided, single submitter. Criteria: LabCorp Variant Classification Summary - May 2015. Collection method: clinical testing. Allele origin: germline.
Comment: Variant summary: SETX c.529A>C (p.Asn177His) results in a conservative amino acid change in the encoded protein sequence. Three of five in-silico tools predict a benign effect of the variant on protein function. The variant was absent in 251302 control chromosomes (gnomAD). The available data on variant occurrences in the general population are insufficient to allow any conclusion about variant significance. To our knowledge, no occurrence of c.529A>C in individuals affected with Amyotrophic Lateral Sclerosis Type 4 and no experimental evidence demonstrating its impact on protein function have been reported. No submitters have cited clinical-significance assessments for this variant to ClinVar. Based on the evidence outlined above, the variant was classified as uncertain significance.

NM_015046.7(SETX):c.529A>C (p.Asn177His)

Gene: SETX (senataxin; minus strand). Cytogenetic location: 9q34.13.
Variant type: single nucleotide variant.
Coding change: c.529A>C on transcript NM_015046.7 (MANE Select); coding-DNA position 529, A replaced by C.
Protein change: p.Asn177His; replaces asparagine 177 with histidine.
Molecular consequence: missense variant.
Genome position (GRCh38, 1-based): chr9:132,336,485, T>G on the plus strand (A>C on the coding strand, the complement: SETX is on the minus strand). VCF-style: chr9-132336485-T-G. GRCh37 (hg19) VCF-style: chr9-135211872-T-G.
Other names: c.529A>C, p.Asn177His (NM_001351527.2, NM_001351528.2); short protein forms N177H.
Identifiers: ClinVar variation 3374818 (VCV003374818.1).